The following is an entry in ClinVar:

NM_194248.3(OTOF):c.3987G>A (p.Trp1329Ter)

Gene: OTOF (otoferlin; minus strand). Cytogenetic location: 2p23.3.
Variant type: single nucleotide variant.
Coding change: c.3987G>A on transcript NM_194248.3 (MANE Select); coding-DNA position 3987, G replaced by A.
Protein change: p.Trp1329Ter; replaces tryptophan 1329 with a stop codon.
Molecular consequence: nonsense.
Genome position (GRCh38, 1-based): chr2:26,470,629, C>T on the plus strand (G>A on the coding strand, the complement: OTOF is on the minus strand). VCF-style: chr2-26470629-C-T. GRCh37 (hg19) VCF-style: chr2-26693497-C-T.
Other names: c.3987G>A, p.Trp1329Ter (NM_001287489.2); c.1686G>A, p.Trp562Ter (NM_004802.4, NM_194323.3); c.1917G>A, p.Trp639Ter (NM_194322.3); short protein forms W1329*, W562*, W639*.
Identifiers: ClinVar variation 4879929 (VCV004879929.1).

ClinVar aggregate classification (germline): Pathogenic (0 of 4 stars; one submission).

Conditions:
Autosomal recessive nonsyndromic hearing loss 9. Also called: NEUROSENSORY NONSYNDROMIC RECESSIVE DEAFNESS 9; OTOF-Related Hearing Loss; Deafness, autosomal recessive 9; AUDITORY NEUROPATHY, AUTOSOMAL RECESSIVE, 1, TEMPERATURE-SENSITIVE. Identifiers: Orphanet 90636, MedGen C1832828, MONDO:0010986, OMIM 601071.

gnomAD v4.1: 1 of 1,614,156 alleles (0.000062%); highest among the groups gnomAD compares: Non-Finnish European, 0.000085%; no homozygotes.

Submission:

Diagnosis and Treatment Center of Genetic Hearing Loss, Eye & ENT Hospital of Fudan University
Classification: Pathogenic for Autosomal recessive nonsyndromic hearing loss 9. Last evaluated: 2026-02-04. Review status: no assertion criteria provided. Collection method: clinical testing. Allele origin: germline. Inheritance: Autosomal recessive inheritance. Affected: yes.
Comment: The c.3987G>A nonsense variant in OTOF leads to a premature stop codon and predicted NMD (PVS1). It is absent from population databases (PM2_Supporting).